The following is an entry in ClinVar:

NM_016630.7(SPG21):c.330G>A (p.Leu110=)

Gene: SPG21 (SPG21 abhydrolase domain containing, maspardin; minus strand). Cytogenetic location: 15q22.31.
Variant type: single nucleotide variant.
Coding change: c.330G>A on transcript NM_016630.7 (MANE Select); coding-DNA position 330, G replaced by A.
Protein change: p.Leu110=; no amino-acid change (leucine 110 retained).
Molecular consequence: synonymous variant.
Genome position (GRCh38, 1-based): chr15:64,974,724, C>T on the plus strand (G>A on the coding strand, the complement: SPG21 is on the minus strand). VCF-style: chr15-64974724-C-T. GRCh37 (hg19) VCF-style: chr15-65267062-C-T.
Other names: c.330G>A, p.Leu110= (NM_001127889.5); c.249G>A, p.Leu83= (NM_001127890.5).
Identifiers: ClinVar variation 4821941 (VCV004821941.4).

ClinVar aggregate classification (germline): Uncertain significance (1 of 4 stars; one submission).

gnomAD v4.1: 2 of 1,614,032 alleles (0.00012%); highest among the groups gnomAD compares: South Asian, 0.0011%; no homozygotes.

Submission:

CeGaT Center for Human Genetics Tuebingen
Classification: Uncertain significance. Last evaluated: 2026-03-01. Review status: criteria provided, single submitter. Criteria: CeGaT Center For Human Genetics Tuebingen Variant Classification Criteria Version 2. Collection method: clinical testing. Allele origin: germline. Affected: yes. Observed: 1 variant allele.
Comment: SPG21: PM2, PP3